The following is an entry in ClinVar:

NM_001374385.1(ATP8B1):c.3725C>G (p.Thr1242Ser)

Genes: ATP8B1 (ATPase phospholipid transporting 8B1; minus strand), ATP8B1-AS1 (ATP8B1 antisense RNA 1; plus strand). Cytogenetic location: 18q21.31.
Variant type: single nucleotide variant.
Coding change: c.3725C>G on transcript NM_001374385.1 (MANE Select); coding-DNA position 3725, C replaced by G.
Protein change: p.Thr1242Ser; replaces threonine 1242 with serine.
Molecular consequence: missense variant.
Genome position (GRCh38, 1-based): chr18:57,648,519, G>C on the plus strand (C>G on the coding strand, the complement: ATP8B1 is on the minus strand). VCF-style: chr18-57648519-G-C. GRCh37 (hg19) VCF-style: chr18-55315751-G-C.
Other names: c.3575C>G, p.Thr1192Ser (NM_001374386.1); c.3725C>G, p.Thr1242Ser (NM_005603.6); short protein forms T1242S, T1192S.
Identifiers: ClinVar variation 286355 (VCV000286355.12), dbSNP rs139012426, ClinGen allele CA8973924.

ClinVar aggregate classification (germline): Conflicting classifications of pathogenicity. Review status: criteria provided, conflicting classifications (1 of 4 stars). 4 submissions from 4 submitters: Uncertain significance (2); Likely benign (1). 1 of the submissions does not count toward it. Last evaluated 2026-01-28.

Conditions:
ATP8B1-related disorder. Also called: ATP8B1-related condition; ATP8B1-related disorders.

Allele frequency attached by ClinVar (database versions not stated): 1000 Genomes Project 30x 0.00031; 1000 Genomes Project 0.00040; ESP Exome Variant Server 0.00054; gnomAD 0.00066 and 0.00071; TOPMed 0.00090; gnomAD exomes 0.00007 and 0.00024; ExAC 0.00026.
gnomAD v4.1: 212 of 1,611,406 alleles (0.013%); highest among the groups gnomAD compares: African/African-American, 0.25%; 1 homozygote.

Submissions (4):

Labcorp Genetics (formerly Invitae), Labcorp
Classification: Likely benign. Last evaluated: 2026-01-28. Review status: criteria provided, single submitter. Criteria: Invitae Variant Classification Sherloc (09022015). Collection method: clinical testing. Allele origin: germline.

GeneDx
Classification: Uncertain significance. Last evaluated: 2022-06-24. Review status: criteria provided, single submitter. Criteria: GeneDx Variant Classification Process June 2021. Collection method: clinical testing. Allele origin: germline. Affected: yes.
Comment: In silico analysis supports that this missense variant does not alter protein structure/function; Has not been previously published as pathogenic or benign to our knowledge

Eurofins Ntd Llc (ga)
Classification: Uncertain significance. Last evaluated: 2018-09-04. Review status: criteria provided, single submitter. Criteria: EGL ClinVar v180209 classification definitions. Collection method: clinical testing. Allele origin: germline. Observed: 13 variant alleles, 13 heterozygotes.

PreventionGenetics, part of Exact Sciences
Classification: Likely benign for ATP8B1-related condition. Last evaluated: 2022-10-06. Review status: no assertion criteria provided. Collection method: clinical testing. Allele origin: germline. Not counted in ClinVar's aggregate classification.
Comment: This variant is classified as likely benign based on ACMG/AMP sequence variant interpretation guidelines (Richards et al. 2015 PMID: 25741868, with internal and published modifications).